The following is an entry in ClinVar:

ClinVar aggregate classification (germline): Likely pathogenic. Review status: criteria provided, multiple submitters, no conflicts (2 of 4 stars). 2 submissions from 2 submitters: Likely pathogenic (2). Last evaluated 2023-06-21.

Conditions:
COL1A2-related disorder. Also called: COL1A2-related condition; COL1A2-Related Disorders.
Osteogenesis imperfecta type III (OI3). Also called: Progressively Deforming Osteogenesis Imperfecta; Osteogenesis imperfecta type 3; OI type 3; Osteogenesis imperfecta, progressively deforming with normal sclerae; OI type III. Identifiers: Orphanet 216812, Orphanet 666, MedGen C0268362, MONDO:0009804, OMIM 259420.

Submissions (2):

Blueprint Genetics
Classification: Likely pathogenic for COL1A2-related disorders. Last evaluated: 2023-06-21. Review status: criteria provided, single submitter. Criteria: ACMG Guidelines, 2015. Collection method: clinical testing. Allele origin: germline. Affected: yes. Observed: 1 variant allele.

Neuberg Centre For Genomic Medicine, NCGM
Classification: Likely pathogenic for Osteogenesis imperfecta type III. Review status: criteria provided, single submitter. Criteria: ACMG Guidelines, 2015. Collection method: clinical testing. Allele origin: germline. Inheritance: Autosomal dominant inheritance. Affected: yes.
Comment: The observed missense,splice region variant c.2404G>A(p.Gly802Ser) in COL1A2 gene has not been reported previously as a pathogenic variant nor as a benign variant, to our knowledge. The c.2404G>A variant is absent in gnomAD Exomes. The missense mutation c.2404G>A results in a missense transcript (c.2404G > A, 60%) and an intron retention transcript (an insertion of 49 bp (40%) by recognition of alternative 3′ splice site (c.2404-51_2404-50ag) in intron 39) leading to a different protein change (p.Gly802Alafs*5) or it may cause no aberration (Li L, et al., 2019). However, this variant is located in a mutational hotspot with two different amino acid changes p.Gly802Val and p.Gly802Ala reported as Pathogenic in Clinvar. This variant affects the glycine residue. The amino acid Glycine at position 802 is changed to a Ser changing protein sequence and it might alter its composition and physico-chemical properties. The variant is predicted to be damaging by SIFT and Likely Damaging by SpliceAI Prediction. The amino acid change p.Gly802Ser in COL1A2 is predicted as conserved by GERP++ and PhyloP across 100 vertebrates. For these reasons, this variant has been classified as Likely Pathogenic.

NM_000089.4(COL1A2):c.2404G>A (p.Gly802Ser)

Gene: COL1A2 (collagen type I alpha 2 chain; plus strand). Cytogenetic location: 7q21.3.
Variant type: single nucleotide variant.
Coding change: c.2404G>A on transcript NM_000089.4 (MANE Select); coding-DNA position 2404, G replaced by A.
Protein change: p.Gly802Ser; replaces glycine 802 with serine.
Molecular consequence: missense variant.
Genome position (GRCh38, 1-based): chr7:94,422,957, G>A. VCF-style: chr7-94422957-G-A. GRCh37 (hg19) VCF-style: chr7-94052269-G-A.
Other names: short protein forms G802S.
Identifiers: ClinVar variation 3242194 (VCV003242194.2), dbSNP rs2484729335.